The following is an entry in ClinVar:

NM_002890.3(RASA1):c.549C>A (p.His183Gln)

Genes: CCNH (cyclin H; minus strand), RASA1 (RAS p21 protein activator 1; plus strand). Cytogenetic location: 5q14.3.
Variant type: single nucleotide variant.
Coding change: c.549C>A on transcript NM_002890.3 (MANE Select); coding-DNA position 549, C replaced by A.
Protein change: p.His183Gln; replaces histidine 183 with glutamine.
Molecular consequence: missense variant. On other transcripts: intron variant (1).
Genome position (GRCh38, 1-based): chr5:87,331,357, C>A. VCF-style: chr5-87331357-C-A. GRCh37 (hg19) VCF-style: chr5-86627174-C-A.
Other names: c.18C>A, p.His6Gln (NM_022650.3); c.934-18562G>T (NM_001364075.2); short protein forms H183Q, H6Q.
Identifiers: ClinVar variation 2811228 (VCV002811228.3), dbSNP rs773404892, ClinGen allele CA360374794.

ClinVar aggregate classification (germline): Uncertain significance (1 of 4 stars; one submission).

Conditions:
Capillary malformation-arteriovenous malformation syndrome. Also called: Capillary malformation-arteriovenous malformation. Identifiers: Orphanet 137667, MedGen C1842180, MONDO:0012016.

gnomAD v4.1: 2 of 1,607,990 alleles (0.00012%); highest among the groups gnomAD compares: African/African-American, 0.0013%; no homozygotes.

Submission:

Labcorp Genetics (formerly Invitae), Labcorp
Classification: Uncertain significance for Capillary malformation-arteriovenous malformation syndrome. Last evaluated: 2025-04-28. Review status: criteria provided, single submitter. Criteria: Invitae Variant Classification Sherloc (09022015). Collection method: clinical testing. Allele origin: germline.
Comment: This sequence change replaces histidine, which is basic and polar, with glutamine, which is neutral and polar, at codon 183 of the RASA1 protein (p.His183Gln). This variant is not present in population databases (gnomAD no frequency). This variant has not been reported in the literature in individuals affected with RASA1-related conditions. ClinVar contains an entry for this variant (Variation ID: 2811228). An algorithm developed to predict the effect of missense changes on protein structure and function (PolyPhen-2) suggests that this variant is likely to be disruptive. In summary, the available evidence is currently insufficient to determine the role of this variant in disease. Therefore, it has been classified as a Variant of Uncertain Significance.